The following is an entry in ClinVar:

NM_001005242.3(PKP2):c.1593G>A (p.Ala531=)

Gene: PKP2 (plakophilin 2; minus strand). Cytogenetic location: 12p11.21.
Variant type: single nucleotide variant.
Coding change: c.1593G>A on transcript NM_001005242.3 (MANE Select); coding-DNA position 1593, G replaced by A.
Protein change: p.Ala531=; no amino-acid change (alanine 531 retained).
Molecular consequence: synonymous variant.
Genome position (GRCh38, 1-based): chr12:32,824,126, C>T on the plus strand (G>A on the coding strand, the complement: PKP2 is on the minus strand). VCF-style: chr12-32824126-C-T. GRCh37 (hg19) VCF-style: chr12-32977060-C-T.
Other names: c.1725G>A, p.Ala575= (NM_004572.4).
Identifiers: ClinVar variation 763154 (VCV000763154.14), dbSNP rs760093803, ClinGen allele CA030553.

ClinVar aggregate classification (germline): Likely benign. Review status: criteria provided, multiple submitters, no conflicts (2 of 4 stars). 4 submissions from 4 submitters: Likely benign (4). Last evaluated 2024-11-17.

Conditions:
Cardiovascular phenotype. Identifiers: MedGen CN230736.
Arrhythmogenic right ventricular cardiomyopathy (ARVD). Also called: Cardiomyopathy, ARVC; Arrhythmogenic right ventricular dysplasia; Arrhythmogenic cardiomyopathy; Arrhythmogenic Right Ventricular Cardiomyopathy (ARVC). Identifiers: Orphanet 247, MedGen C0349788, MeSH D019571, MONDO:0016587. Disease mechanism: loss of function. Inheritance: Various modes of inheritance.
Cardiomyopathy (CMYO). Also called: Cardiomyopathies. Identifiers: Orphanet 167848, MedGen C0878544, MONDO:0004994, HP:0001638. Inheritance: Various modes of inheritance.
Arrhythmogenic right ventricular dysplasia 9 (ARVD9). Also called: Arrhythmogenic Right Ventricular Dysplasia/Cardiomyopathy 9; ARRHYTHMOGENIC RIGHT VENTRICULAR DYSPLASIA, FAMILIAL, 9. Identifiers: MedGen C1836906, MONDO:0012180, OMIM 609040.

Allele frequency attached by ClinVar (database versions not stated): TOPMed 0.00002.
gnomAD v4.1: 10 of 1,613,260 alleles (0.00062%); highest among the groups gnomAD compares: African/African-American, 0.0027%; no homozygotes.

Submissions (4):

Labcorp Genetics (formerly Invitae), Labcorp
Classification: Likely benign for Arrhythmogenic right ventricular dysplasia 9. Last evaluated: 2024-11-17. Review status: criteria provided, single submitter. Criteria: Invitae Variant Classification Sherloc (09022015). Collection method: clinical testing. Allele origin: germline.

All of Us Research Program, National Institutes of Health
Classification: Likely benign for Arrhythmogenic right ventricular cardiomyopathy. Last evaluated: 2023-11-20. Review status: criteria provided, single submitter. Criteria: ACMG Guidelines, 2015. Collection method: clinical testing. Allele origin: germline. Inheritance: Autosomal dominant inheritance. Observed: 2 variant alleles, 2 heterozygotes.
Comment: This study involves interpretation of variants in research participants for the purpose of population health screening. Participant phenotype was not available at the time of variant classification. Additional details can be found in publication PMID: 35346344, PMCID: PMC8962531

Ambry Genetics
Classification: Likely benign for Cardiovascular phenotype. Last evaluated: 2020-11-16. Review status: criteria provided, single submitter. Criteria: Ambry Variant Classification Scheme 2023. Collection method: clinical testing. Allele origin: germline.

Color Diagnostics, LLC DBA Color Health
Classification: Likely benign for Cardiomyopathy. Last evaluated: 2018-11-30. Review status: criteria provided, single submitter. Criteria: ACMG Guidelines, 2015. Collection method: clinical testing. Allele origin: germline.